The following is an entry in ClinVar:

ClinVar aggregate classification (germline): Likely benign (0 of 4 stars; one submission).

Conditions:
KDM2B-related disorder. Also called: KDM2B-related condition.

Allele frequency attached by ClinVar (database versions not stated): ExAC 0.00001; gnomAD 0.00003; gnomAD exomes 0.00003; TOPMed 0.00004.
gnomAD v4.1: 44 of 1,613,366 alleles (0.0027%); highest among the groups gnomAD compares: African/African-American, 0.0067%; no homozygotes.

Submission:

PreventionGenetics, part of Exact Sciences
Classification: Likely benign for KDM2B-related condition. Last evaluated: 2020-02-26. Review status: no assertion criteria provided. Collection method: clinical testing. Allele origin: germline.
Comment: This variant is classified as likely benign based on ACMG/AMP sequence variant interpretation guidelines (Richards et al. 2015 PMID: 25741868, with internal and published modifications).

NM_032590.5(KDM2B):c.699C>T (p.Ser233=)

Gene: KDM2B (lysine demethylase 2B; minus strand). Cytogenetic location: 12q24.31.
Variant type: single nucleotide variant.
Coding change: c.699C>T on transcript NM_032590.5 (MANE Select); coding-DNA position 699, C replaced by T.
Protein change: p.Ser233=; no amino-acid change (serine 233 retained).
Molecular consequence: synonymous variant.
Genome position (GRCh38, 1-based): chr12:121,534,575, G>A on the plus strand (C>T on the coding strand, the complement: KDM2B is on the minus strand). VCF-style: chr12-121534575-G-A. GRCh37 (hg19) VCF-style: chr12-121972480-G-A.
Other names: c.606C>T, p.Ser202= (NM_001005366.2).
Identifiers: ClinVar variation 3051672 (VCV003051672.2), dbSNP rs200066174, ClinGen allele CA6837137.